The following is an entry in ClinVar:

ClinVar aggregate classification (germline): Pathogenic (1 of 4 stars; one submission).

Conditions:
Hereditary insensitivity to pain with anhidrosis (CIPA). Also called: NTRK1 Congenital Insensitivity to Pain with Anhidrosis; INSENSITIVITY TO PAIN, CONGENITAL, WITH ANHIDROSIS; hereditary sensory and autonomic neuropathy type 4; HSAN Type IV; FAMILIAL DYSAUTONOMIA, TYPE II; NEUROPATHY, CONGENITAL SENSORY, WITH ANHIDROSIS. Identifiers: Orphanet 642, MedGen C0020074, MONDO:0009746, OMIM 256800.

Submission:

Myriad Genetics, Inc.
Classification: Pathogenic for Hereditary insensitivity to pain with anhidrosis. Last evaluated: 2025-05-28. Review status: criteria provided, single submitter. Criteria: Myriad Autosomal Dominant, Autosomal Recessive and X-Linked Classification Criteria (2023). Collection method: clinical testing. Allele origin: unknown.
Comment: NM_002529.3(NTRK1):c.1161dupC(E388Rfs*14) is a frameshift variant classified as pathogenic in the context of congenital insensitivity to pain with anhidrosis, NTRK1-related. E388Rfs*14 has not been observed in cases with relevant disease. Relevant functional assessments of this variant are not available in the literature. E388Rfs*14 has not been observed in referenced population frequency databases. In summary, NM_002529.3(NTRK1):c.1161dupC(E388Rfs*14) is a frameshift variant in a gene where loss of function is a known mechanism of disease and is predicted to disrupt protein function. Please note: this variant was assessed in the context of healthy population screening.

NM_002529.4(NTRK1):c.1161dup (p.Glu388fs)

Gene: NTRK1 (neurotrophic receptor tyrosine kinase 1; plus strand). Cytogenetic location: 1q23.1.
Variant type: Duplication.
Coding change: c.1161dup on transcript NM_002529.4 (MANE Select); coding-DNA position 1161, one base duplicated (C; older notation c.1161dupC).
Protein change: p.Glu388fs; shifts the reading frame from glutamic acid 388.
Molecular consequence: frameshift variant.
Genome position (GRCh38, 1-based): chr1:156,873,943, C duplicated; the last of 4 consecutive C bases (chr1:156,873,940-156,873,943); duplicating any one gives the same sequence. VCF-style (leftmost placement, unchanged base first): chr1-156873939-A-AC. GRCh37 (hg19) VCF-style: chr1-156843731-A-AC.
Other names: c.1071dup, p.Glu358fs (NM_001007792.1); c.1161dup, p.Glu388fs (NM_001012331.2); short protein forms E358fs, E388fs.
Identifiers: ClinVar variation 4081758 (VCV004081758.1).